The following is an entry in ClinVar:

NM_175066.4(DDX51):c.1626C>T (p.Gly542=)

Gene: DDX51 (DEAD-box helicase 51; minus strand). Cytogenetic location: 12q24.33.
Variant type: single nucleotide variant.
Coding change: c.1626C>T on transcript NM_175066.4 (MANE Select); coding-DNA position 1626, C replaced by T.
Protein change: p.Gly542=; no amino-acid change (glycine 542 retained).
Molecular consequence: synonymous variant.
Genome position (GRCh38, 1-based): chr12:132,140,470, G>A on the plus strand (C>T on the coding strand, the complement: DDX51 is on the minus strand). VCF-style: chr12-132140470-G-A. GRCh37 (hg19) VCF-style: chr12-132625015-G-A.
Identifiers: ClinVar variation 2643630 (VCV002643630.25), dbSNP rs761546704, ClinGen allele CA6888066.

ClinVar aggregate classification (germline): Likely benign. Review status: criteria provided, multiple submitters, no conflicts (2 of 4 stars). 2 submissions from 2 submitters: Likely benign (2). Last evaluated 2022-06-01.

Allele frequency attached by ClinVar (database versions not stated): ExAC 0.00001.

Submissions (2):

CeGaT Center for Human Genetics Tuebingen
Classification: Likely benign. Last evaluated: 2022-06-01. Review status: criteria provided, single submitter. Criteria: CeGaT Center For Human Genetics Tuebingen Variant Classification Criteria Version 2. Collection method: clinical testing. Allele origin: germline. Affected: yes. Observed: 1 variant allele.
Comment: DDX51: BP4

Breakthrough Genomics
Classification: Likely benign. Review status: criteria provided, single submitter. Criteria: ACMG Guidelines, 2015. Collection method: not provided. Allele origin: germline. Inheritance: Unknown mechanism. Affected: yes.